The following is an entry in ClinVar:

NM_199355.4(ADAMTS18):c.1046A>G (p.Glu349Gly)

Gene: ADAMTS18 (ADAM metallopeptidase with thrombospondin type 1 motif 18; minus strand). Cytogenetic location: 16q23.1.
Variant type: single nucleotide variant.
Coding change: c.1046A>G on transcript NM_199355.4 (MANE Select); coding-DNA position 1046, A replaced by G.
Protein change: p.Glu349Gly; replaces glutamic acid 349 with glycine.
Molecular consequence: missense variant.
Genome position (GRCh38, 1-based): chr16:77,363,812, T>C on the plus strand (A>G on the coding strand, the complement: ADAMTS18 is on the minus strand). VCF-style: chr16-77363812-T-C. GRCh37 (hg19) VCF-style: chr16-77397709-T-C.
Other names: c.530A>G, p.Glu177Gly (NM_001326358.2); short protein forms E177G, E349G.
Identifiers: ClinVar variation 2060379 (VCV002060379.4), dbSNP rs2543745840, ClinGen allele CA396836299.

ClinVar aggregate classification (germline): Uncertain significance (1 of 4 stars; one submission).

Submission:

Labcorp Genetics (formerly Invitae), Labcorp
Classification: Uncertain significance. Last evaluated: 2021-12-25. Review status: criteria provided, single submitter. Criteria: Invitae Variant Classification Sherloc (09022015). Collection method: clinical testing. Allele origin: germline.
Comment: Algorithms developed to predict the effect of missense changes on protein structure and function are either unavailable or do not agree on the potential impact of this missense change (SIFT: "Not Available"; PolyPhen-2: "Probably Damaging"; Align-GVGD: "Not Available"). In summary, the available evidence is currently insufficient to determine the role of this variant in disease. Therefore, it has been classified as a Variant of Uncertain Significance. This variant has not been reported in the literature in individuals affected with ADAMTS18-related conditions. This variant is not present in population databases (gnomAD no frequency). This sequence change replaces glutamic acid, which is acidic and polar, with glycine, which is neutral and non-polar, at codon 349 of the ADAMTS18 protein (p.Glu349Gly).